The following is an entry in ClinVar:

NM_014855.3(AP5Z1):c.*1701C>G

Gene: AP5Z1 (adaptor related protein complex 5 subunit zeta 1; plus strand). Cytogenetic location: 7p22.1.
Variant type: single nucleotide variant.
Coding change: c.*1701C>G on transcript NM_014855.3 (MANE Select); 1701 bases downstream of the stop codon, C replaced by G.
Molecular consequence: 3 prime UTR variant. On other transcripts: non-coding transcript variant (1).
Genome position (GRCh38, 1-based): chr7:4,793,086, C>G. VCF-style: chr7-4793086-C-G. GRCh37 (hg19) VCF-style: chr7-4832717-C-G.
Other names: c.*1701C>G (LRG_1247t1, NM_001364858.1).
Identifiers: ClinVar variation 360389 (VCV000360389.6), dbSNP rs80311758, ClinGen allele CA10624094.

ClinVar aggregate classification (germline): Likely benign. Review status: criteria provided, multiple submitters, no conflicts (2 of 4 stars). 2 submissions from 2 submitters: Likely benign (2). Last evaluated 2017-04-27.

Conditions:
Hereditary spastic paraplegia 48. Also called: SPASTIC PARAPLEGIA 48, AUTOSOMAL RECESSIVE; Spastic paraplegia 48. Identifiers: Orphanet 306511, MedGen C3150901, MONDO:0013342, OMIM 613647.

Allele frequency attached by ClinVar (database versions not stated): gnomAD exomes 0.04000; 1000 Genomes Project 0.08986; 1000 Genomes Project 30x 0.09603; TOPMed 0.10611.
gnomAD v4.1: 14,101 of 152,336 alleles (9.3%); highest among the groups gnomAD compares: African/African-American, 27%; 1,521 homozygotes.

Submissions (2):

Illumina Laboratory Services, Illumina
Classification: Likely benign for Hereditary spastic paraplegia 48. Last evaluated: 2017-04-27. Review status: criteria provided, single submitter. Criteria: ICSL Variant Classification Criteria 13 December 2019. Collection method: clinical testing. Allele origin: germline.
Comment: This variant was observed as part of a predisposition screen in an ostensibly healthy population. A literature search was performed for the gene, cDNA change, and amino acid change (where applicable). No publications were found based on this search. Allele frequency data from public databases allowed determination this variant is unlikely to cause disease. Therefore, this variant is classified as likely benign.

Breakthrough Genomics
Classification: Likely benign. Review status: criteria provided, single submitter. Criteria: ACMG Guidelines, 2015. Collection method: not provided. Allele origin: germline. Inheritance: Autosomal recessive inheritance. Affected: yes.